The following is an entry in ClinVar:

ClinVar aggregate classification (germline): Conflicting classifications of pathogenicity. Review status: criteria provided, conflicting classifications (1 of 4 stars). 11 submissions from 11 submitters: Uncertain significance (4); Benign (1); Likely benign (3). 3 of the submissions do not count toward it. Last evaluated 2026-01-28.

Conditions:
Renal cell carcinoma. Identifiers: Orphanet 217071, MedGen C0007134, MeSH D002292, MONDO:0005086, HP:0005584.
MET-related disorder. Also called: MET-related condition.
Hereditary cancer-predisposing syndrome. Also called: Tumor predisposition; Hereditary neoplastic syndrome; Neoplastic Syndromes, Hereditary; Hereditary Cancer Syndrome. Identifiers: Orphanet 140162, MedGen C0027672, MeSH D009386, MONDO:0015356.
Papillary renal cell carcinoma type 1 (RCCP1). Also called: RENAL CELL CARCINOMA, PAPILLARY, 1, SOMATIC; Renal adenocarcinoma; Renal cell carcinoma 1; Renal cell carcinoma, somatic. Identifiers: Orphanet 47044, MedGen C1336839, OMIM 605074, HP:0011797.
Lymphedema. Also called: Lymphoedema. Identifiers: MedGen C0024236, MONDO:0019297, HP:0001004.

Allele frequency attached by ClinVar (database versions not stated): gnomAD exomes 0.00005 and 0.00014; 1000 Genomes Project 30x 0.00016; ExAC 0.00017; 1000 Genomes Project 0.00020; ESP Exome Variant Server 0.00033; gnomAD 0.00052 and 0.00055; TOPMed 0.00062.
gnomAD v4.1: 158 of 1,613,894 alleles (0.0098%); highest among the groups gnomAD compares: African/African-American, 0.16%; no homozygotes.

Submissions (11):

Labcorp Genetics (formerly Invitae), Labcorp
Classification: Likely benign for Renal cell carcinoma. Last evaluated: 2026-01-28. Review status: criteria provided, single submitter. Criteria: Invitae Variant Classification Sherloc (09022015). Collection method: clinical testing. Allele origin: germline.

Center for Genomic Medicine, Rigshospitalet, Copenhagen University Hospital
Classification: Uncertain significance. Last evaluated: 2025-03-04. Review status: criteria provided, single submitter. Criteria: ACMG Guidelines, 2015. Collection method: clinical testing. Allele origin: germline.

GeneDx
Classification: Uncertain significance. Last evaluated: 2024-08-07. Review status: criteria provided, single submitter. Criteria: GeneDx Variant Classification Process June 2021. Collection method: clinical testing. Allele origin: germline. Affected: yes.
Comment: In silico analysis supports that this missense variant has a deleterious effect on protein structure/function; Observed in individuals with lymphedema or breast cancer (PMID: 18564920, 35264596); This variant is associated with the following publications: (PMID: 24728327, 25637381, 32171644, 24339735, 30530636, 35264596, 18564920)

Women's Health and Genetics/Laboratory Corporation of America, LabCorp
Classification: Likely benign. Last evaluated: 2024-04-29. Review status: criteria provided, single submitter. Criteria: LabCorp Variant Classification Summary - May 2015. Collection method: clinical testing. Allele origin: germline.

Sema4
Classification: Uncertain significance for Hereditary cancer-predisposing syndrome. Last evaluated: 2021-11-01. Review status: criteria provided, single submitter. Criteria: Sema4 Curation Guidelines. Collection method: curation. Allele origin: germline.
Comment: The MET c.71G>A (p.Gly24Glu) variant has been reported in heterozygosity in at least one individual with renal cell carcinoma (PMID: 24339735). It was also identified in at least one individual with lymphedema (PMID: 30530636), and has also been reported in healthy individuals (PMID: 24728327). This variant was observed in 44/24192 chromosomes in the African/African American population according to the Genome Aggregation Database (PMID: 32461654). This variant has been reported in ClinVar (Variation ID: 134649). In silico tools suggest the impact of the variant on protein function is inconclusive, though these predictions have not been confirmed by functional studies. There is no indication that this variant causes disease, but the evidence is insufficient currently to prove that conclusively. The overall evidence is insufficient to meet ACMG/AMP criteria for classifying it as benign or pathogenic. In summary, the clinical significance of this variant is currently uncertain.

Ambry Genetics
Classification: Benign for Hereditary cancer-predisposing syndrome. Last evaluated: 2020-09-11. Review status: criteria provided, single submitter. Criteria: Ambry Variant Classification Scheme 2023. Collection method: clinical testing. Allele origin: germline.

Mendelics
Classification: Likely benign for Renal cell carcinoma, papillary, 1. Last evaluated: 2018-07-02. Review status: criteria provided, single submitter. Criteria: Mendelics Assertion Criteria 2017. Collection method: clinical testing. Allele origin: unknown.

Vantari Genetics
Classification: Uncertain significance for Hereditary cancer-predisposing syndrome. Last evaluated: 2015-12-07. Review status: criteria provided, single submitter. Criteria: ACMG Guidelines, 2015. Collection method: clinical testing. Allele origin: germline.

PreventionGenetics, part of Exact Sciences
Classification: Likely benign for MET-related condition. Last evaluated: 2022-08-01. Review status: no assertion criteria provided. Collection method: clinical testing. Allele origin: germline. Not counted in ClinVar's aggregate classification.
Comment: This variant is classified as likely benign based on ACMG/AMP sequence variant interpretation guidelines (Richards et al. 2015 PMID: 25741868, with internal and published modifications).

CSER _CC_NCGL, University of Washington
Classification: Likely benign for Lymphoedema. Last evaluated: 2014-06-01. Review status: no assertion criteria provided. Collection method: research. Allele origin: germline. Inheritance: Autosomal dominant inheritance. Study: ESP 6500 variant annotation. Not counted in ClinVar's aggregate classification.
Comment: Variants classified for the Actionable exomic incidental findings in 6503 participants: challenges of variant classification manuscript

ITMI
No classification provided. Condition: AllHighlyPenetrant. Last evaluated: 2013-09-19. Review status: no classification provided. Collection method: reference population. Allele origin: germline. Not counted in ClinVar's aggregate classification.
Comment: Please see associated publication for description of ethnicities

Literature cited by the submitters: PubMed 24339735 (cited by Sema4); PubMed 30530636 (cited by Sema4); PubMed 24728327 (cited by 3 submitters); PubMed 18564920 (cited by Ambry Genetics); PubMed 25637381 (cited by Ambry Genetics).

NM_000245.4(MET):c.71G>A (p.Gly24Glu)

Gene: MET (MET proto-oncogene, receptor tyrosine kinase; plus strand). Cytogenetic location: 7q31.2.
Variant type: single nucleotide variant.
Coding change: c.71G>A on transcript NM_000245.4 (MANE Select); coding-DNA position 71, G replaced by A.
Protein change: p.Gly24Glu; replaces glycine 24 with glutamic acid.
Molecular consequence: missense variant. On other transcripts: intron variant (1).
Genome position (GRCh38, 1-based): chr7:116,699,155, G>A. VCF-style: chr7-116699155-G-A. GRCh37 (hg19) VCF-style: chr7-116339209-G-A.
Other names: c.71G>A, p.Gly24Glu (NM_001127500.3, NM_001324401.3); c.-91+26578G>A (NM_001324402.2); c.71G>A (NM_001127500.2); short protein forms G24E.
Identifiers: ClinVar variation 134649 (VCV000134649.33), dbSNP rs180985111, ClinGen allele CA160439.